The following is an entry in ClinVar:

ClinVar aggregate classification (germline): Uncertain significance (1 of 4 stars; one submission).

Conditions:
Multiple endocrine neoplasia, type 2 (MEN2). Identifiers: Orphanet 653, MedGen C4048306, MONDO:0019003. Disease mechanism: gain of function.

Submission:

Labcorp Genetics (formerly Invitae), Labcorp
Classification: Uncertain significance for Multiple endocrine neoplasia, type 2. Last evaluated: 2025-04-17. Review status: criteria provided, single submitter. Criteria: Invitae Variant Classification Sherloc (09022015). Collection method: clinical testing. Allele origin: germline.
Comment: This sequence change replaces leucine, which is neutral and non-polar, with histidine, which is basic and polar, at codon 1018 of the RET protein (p.Leu1018His). This variant is not present in population databases (gnomAD no frequency). This variant has not been reported in the literature in individuals affected with RET-related conditions. An algorithm developed to predict the effect of missense changes on protein structure and function (PolyPhen-2) suggests that this variant is likely to be disruptive. In summary, the available evidence is currently insufficient to determine the role of this variant in disease. Therefore, it has been classified as a Variant of Uncertain Significance.

NM_020975.6(RET):c.3053T>A (p.Leu1018His)

Gene: RET (ret proto-oncogene; plus strand). Cytogenetic location: 10q11.21.
Variant type: single nucleotide variant.
Coding change: c.3053T>A on transcript NM_020975.6 (MANE Select); coding-DNA position 3053, T replaced by A.
Protein change: p.Leu1018His; replaces leucine 1018 with histidine.
Molecular consequence: missense variant.
Genome position (GRCh38, 1-based): chr10:43,126,588, T>A. VCF-style: chr10-43126588-T-A. GRCh37 (hg19) VCF-style: chr10-43622036-T-A.
Other names: c.2291T>A, p.Leu764His (NM_001355216.2); c.3053T>A, p.Leu1018His (NM_001406743.1, NM_001406744.1, NM_001406759.1 and 2 more transcripts); c.2924T>A, p.Leu975His (NM_001406761.1, NM_001406762.1, NM_001406764.1); c.2918T>A, p.Leu973His (NM_001406763.1, NM_001406765.1); c.2765T>A, p.Leu922His (NM_001406766.1, NM_001406767.1, NM_001406770.1); c.2789T>A, p.Leu930His (NM_001406768.1); c.2657T>A, p.Leu886His (NM_001406769.1, NM_001406772.1); c.2615T>A, p.Leu872His (NM_001406771.1, NM_001406773.1); and 10 more; short protein forms L1018H, L674H, L679H, L764H, L843H, L930H, L975H, L623H.
Identifiers: ClinVar variation 4717591 (VCV004717591.1).